The following is an entry in ClinVar:

NM_130839.5(UBE3A):c.*22_*35del

Genes: SNHG14 (small nucleolar RNA host gene 14; plus strand), UBE3A (ubiquitin protein ligase E3A; minus strand). Cytogenetic location: 15q11.2.
Variant type: Deletion.
Coding change: c.*22_*35del on transcript NM_130839.5 (MANE Select); 22 bases downstream of the stop codon through 35 bases downstream of the stop codon, 14 bases deleted (ACAAAAAAAAGGAA).
Molecular consequence: 3 prime UTR variant. On other transcripts: non-coding transcript variant (1).
Genome position (GRCh38, 1-based): chr15:25,339,102-25,339,115, TTCCTTTTTTTTGT deleted on the plus strand (ACAAAAAAAAGGAA on the coding strand, the reverse complement: UBE3A is on the minus strand); deleting any 14 consecutive bases within chr15:25,339,102-25,339,117 gives the same sequence; the c. name uses the placement nearest the transcript's 3' end. VCF-style (leftmost placement, unchanged base first): chr15-25339101-CTTCCTTTTTTTTGT-C. GRCh37 (hg19) VCF-style: chr15-25584248-CTTCCTTTTTTTTGT-C.
Other names: c.*22_*35del (NM_000462.5, NM_001354505.1, NM_001354506.2 and 24 more transcripts).
Identifiers: ClinVar variation 1217730 (VCV001217730.32), dbSNP rs573271880, ClinGen allele CA7435321.
Genomic context (GRCh38, chr15:25,339,101, plus strand): 5'-CACCAAAAATTTATCCCTCGTTATATTTTTAAAATTTTTTAAATTTTTTCTTTTTTTTTC[CTTCCTTTTTTTTGT>C]TTTATTTTGTTTTGTTTTGTTTTACAGCATGCCAAATCCTTTGGCATACGTGATGGCCTT-3'

ClinVar aggregate classification (germline): Benign/Likely benign. Review status: criteria provided, multiple submitters, no conflicts (2 of 4 stars). 2 submissions from 2 submitters: Benign (1); Likely benign (1). Last evaluated 2026-09-01.

Submissions (2):

CeGaT Center for Human Genetics Tuebingen
Classification: Benign. Last evaluated: 2026-09-01. Review status: criteria provided, single submitter. Criteria: CeGaT Center For Human Genetics Tuebingen Variant Classification Criteria Version 2. Collection method: clinical testing. Allele origin: germline. Affected: yes. Observed: 43 variant alleles.
Comment: UBE3A: BS1, BS2

GeneDx
Classification: Likely benign. Last evaluated: 2019-08-15. Review status: criteria provided, single submitter. Criteria: GeneDx Variant Classification Process June 2021. Collection method: clinical testing. Allele origin: germline. Affected: yes.